The following is an entry in ClinVar:

NM_001458.5(FLNC):c.2507del (p.Pro836fs)

Gene: FLNC (filamin C; plus strand). Cytogenetic location: 7q32.1.
Variant type: Deletion.
Coding change: c.2507del on transcript NM_001458.5 (MANE Select); coding-DNA position 2507, one base deleted (C; older notation c.2507delC).
Protein change: p.Pro836fs; shifts the reading frame from proline 836.
Molecular consequence: frameshift variant.
Genome position (GRCh38, 1-based): chr7:128,842,911, C deleted; the last of 2 consecutive C bases (chr7:128,842,910-128,842,911); deleting either gives the same sequence. VCF-style (leftmost placement, unchanged base first): chr7-128842909-AC-A. GRCh37 (hg19) VCF-style: chr7-128482963-AC-A.
Other names: c.2507del, p.Pro836fs (NM_001127487.2); short protein forms P836fs.
Identifiers: ClinVar variation 858026 (VCV000858026.8), dbSNP rs1808400111, ClinGen allele CA916082314.
Genomic context (GRCh38, chr7:128,842,909, plus strand): 5'-TGACATTGACTTCGACATCATCAAGAATGACAACGACACCTTCACCGTCAAGTACACGCC[AC>A]CAGGGGCGGGCCGCTACACCATCATGGTGCTGTTTGCCAACCAGGTACCTAAGCTCCTGG-3'

ClinVar aggregate classification (germline): Pathogenic (1 of 4 stars; one submission).

Conditions:
Distal myopathy with posterior leg and anterior hand involvement. Also called: WILLIAMS DISTAL MYOPATHY. Identifiers: Orphanet 63273, MedGen C3279722, MONDO:0013550, OMIM 614065.
Hypertrophic cardiomyopathy 26. Also called: Cardiomyopathy, familial hypertrophic, 26. Identifiers: Orphanet 75249, MedGen C4310749, MONDO:0014883, OMIM 617047.
Myofibrillar myopathy 5. Also called: Filaminopathy (type); FILAMINOPATHY, AUTOSOMAL DOMINANT. Identifiers: Orphanet 171445, MedGen C1836050, MONDO:0012289, OMIM 609524.

Submission:

Labcorp Genetics (formerly Invitae), Labcorp
Classification: Pathogenic for Distal myopathy with posterior leg and anterior hand involvement; Myofibrillar myopathy 5; Hypertrophic cardiomyopathy 26. Last evaluated: 2019-10-07. Review status: criteria provided, single submitter. Criteria: Invitae Variant Classification Sherloc (09022015). Collection method: clinical testing. Allele origin: germline.
Comment: This variant is not present in population databases (ExAC no frequency). For these reasons, this variant has been classified as Pathogenic. Loss-of-function variants in FLNC are known to be pathogenic (PMID: 27908349). This variant has not been reported in the literature in individuals with FLNC-related conditions. This sequence change creates a premature translational stop signal (p.Pro836Glnfs*42) in the FLNC gene. It is expected to result in an absent or disrupted protein product.

Literature cited by the submitters: PubMed 27908349.